The following is an entry in ClinVar:

NM_178822.5(IGSF10):c.94C>T (p.Arg32Cys)

Gene: IGSF10 (immunoglobulin superfamily member 10; minus strand). Cytogenetic location: 3q25.1.
Variant type: single nucleotide variant.
Coding change: c.94C>T on transcript NM_178822.5 (MANE Select); coding-DNA position 94, C replaced by T.
Protein change: p.Arg32Cys; replaces arginine 32 with cysteine.
Molecular consequence: missense variant.
Genome position (GRCh38, 1-based): chr3:151,458,616, G>A on the plus strand (C>T on the coding strand, the complement: IGSF10 is on the minus strand). VCF-style: chr3-151458616-G-A. GRCh37 (hg19) VCF-style: chr3-151176404-G-A.
Other names: c.94C>T, p.Arg32Cys (NM_001385060.1, NM_001385061.1, NM_001385062.1 and 1 more transcripts); c.94C>T (NM_178822.4); short protein forms R32C.
Identifiers: ClinVar variation 2961478 (VCV002961478.4), dbSNP rs748380987, ClinGen allele CA2670885.

ClinVar aggregate classification (germline): Uncertain significance. Review status: criteria provided, multiple submitters, no conflicts (2 of 4 stars). 2 submissions from 2 submitters: Uncertain significance (2). Last evaluated 2025-04-19.

Allele frequency attached by ClinVar (database versions not stated): ExAC 0.00001; gnomAD 0.00001; gnomAD exomes 0.00001; TOPMed 0.00002.
gnomAD v4.1: 9 of 1,613,996 alleles (0.00056%); highest among the groups gnomAD compares: South Asian, 0.0033%; no homozygotes.

Submissions (2):

Ambry Genetics
Classification: Uncertain significance. Last evaluated: 2025-04-19. Review status: criteria provided, single submitter. Criteria: Ambry Variant Classification Scheme 2023. Collection method: clinical testing. Allele origin: germline.

Labcorp Genetics (formerly Invitae), Labcorp
Classification: Uncertain significance. Last evaluated: 2023-11-15. Review status: criteria provided, single submitter. Criteria: Invitae Variant Classification Sherloc (09022015). Collection method: clinical testing. Allele origin: germline.
Comment: This sequence change replaces arginine, which is basic and polar, with cysteine, which is neutral and slightly polar, at codon 32 of the IGSF10 protein (p.Arg32Cys). This variant is present in population databases (rs748380987, gnomAD 0.003%). This variant has not been reported in the literature in individuals affected with IGSF10-related conditions. An algorithm developed to predict the effect of missense changes on protein structure and function (PolyPhen-2) suggests that this variant is likely to be disruptive. In summary, the available evidence is currently insufficient to determine the role of this variant in disease. Therefore, it has been classified as a Variant of Uncertain Significance.